The following is an entry in ClinVar:

ClinVar aggregate classification (germline): Uncertain significance (1 of 4 stars; one submission).

Conditions:
Hereditary cancer-predisposing syndrome. Also called: Hereditary Cancer Syndrome; Hereditary neoplastic syndrome; Neoplastic Syndromes, Hereditary; Tumor predisposition. Identifiers: Orphanet 140162, MedGen C0027672, MeSH D009386, MONDO:0015356.

Allele frequency attached by ClinVar (database versions not stated): gnomAD exomes below 0.00001.
gnomAD v4.1: 1 of 1,614,172 alleles (0.000062%); no homozygotes.

Submission:

Ambry Genetics
Classification: Uncertain significance for Hereditary cancer-predisposing syndrome. Last evaluated: 2022-08-19. Review status: criteria provided, single submitter. Criteria: Ambry Variant Classification Scheme 2023. Collection method: clinical testing. Allele origin: germline.
Comment: The p.S497G variant (also known as c.1489A>G), located in coding exon 14 of the NF2 gene, results from an A to G substitution at nucleotide position 1489. The serine at codon 497 is replaced by glycine, an amino acid with similar properties. This amino acid position is well conserved in available vertebrate species. In addition, this alteration is predicted to be tolerated by in silico analysis. Since supporting evidence is limited at this time, the clinical significance of this alteration remains unclear.

NM_000268.4(NF2):c.1489A>G (p.Ser497Gly)

Gene: NF2 (NF2, moesin-ezrin-radixin like (MERLIN) tumor suppressor; plus strand). Cytogenetic location: 22q12.2.
Variant type: single nucleotide variant.
Coding change: c.1489A>G on transcript NM_000268.4 (MANE Select); coding-DNA position 1489, A replaced by G.
Protein change: p.Ser497Gly; replaces serine 497 with glycine.
Molecular consequence: missense variant. On other transcripts: non-coding transcript variant (1), intron variant (1).
Genome position (GRCh38, 1-based): chr22:29,678,238, A>G. VCF-style: chr22-29678238-A-G. GRCh37 (hg19) VCF-style: chr22-30074227-A-G.
Other names: c.1375A>G, p.Ser459Gly (NM_001407053.1, NM_001407056.1); c.1366A>G, p.Ser456Gly (NM_001407054.1, NM_001407058.1, NM_181829.3); c.1363A>G, p.Ser455Gly (NM_001407055.1, NM_181828.3); c.1354A>G, p.Ser452Gly (NM_001407057.1, NM_001407059.1); c.1489A>G, p.Ser497Gly (NM_001407060.1, NM_001407066.1, NM_016418.5 and 2 more transcripts); c.1231A>G, p.Ser411Gly (NM_001407062.1); c.1240A>G, p.Ser414Gly (NM_001407063.1, NM_001407064.1, NM_181830.3 and 1 more transcripts); c.955A>G, p.Ser319Gly (NM_001407065.1); and 2 more; short protein forms S459G, S319G, S411G, S414G, S420G, S452G, S455G, S456G.
Identifiers: ClinVar variation 1773729 (VCV001773729.2), dbSNP rs1379773294, ClinGen allele CA411149623.